The following is an entry in ClinVar:

ClinVar aggregate classification (germline): Uncertain significance (1 of 4 stars; one submission).

Conditions:
Autosomal dominant spastic paraplegia type 9. Identifiers: MedGen C1832669, MONDO:0015091.
de Barsy syndrome. Also called: Cutis laxa-corneal clouding-oligophrenia syndrome. Identifiers: Orphanet 2962, MedGen C0268354, MONDO:0017569.
Cutis laxa, autosomal dominant 3 (ADCL3). Identifiers: Orphanet 90348, MedGen C4225268, MONDO:0014706, OMIM 616603.

Submission:

Labcorp Genetics (formerly Invitae), Labcorp
Classification: Uncertain significance for Autosomal dominant spastic paraplegia type 9; de Barsy syndrome; Cutis laxa, autosomal dominant 3. Last evaluated: 2022-03-20. Review status: criteria provided, single submitter. Criteria: Invitae Variant Classification Sherloc (09022015). Collection method: clinical testing. Allele origin: germline.
Comment: This sequence change replaces glycine, which is neutral and non-polar, with valine, which is neutral and non-polar, at codon 322 of the ALDH18A1 protein (p.Gly322Val). This variant is not present in population databases (gnomAD no frequency). In summary, the available evidence is currently insufficient to determine the role of this variant in disease. Therefore, it has been classified as a Variant of Uncertain Significance. Algorithms developed to predict the effect of missense changes on protein structure and function are either unavailable or do not agree on the potential impact of this missense change (SIFT: "Deleterious"; PolyPhen-2: "Probably Damaging"; Align-GVGD: "Class C0"). This variant has not been reported in the literature in individuals affected with ALDH18A1-related conditions.

NM_002860.4(ALDH18A1):c.965G>T (p.Gly322Val)

Gene: ALDH18A1 (aldehyde dehydrogenase 18 family member A1; minus strand). Cytogenetic location: 10q24.1.
Variant type: single nucleotide variant.
Coding change: c.965G>T on transcript NM_002860.4 (MANE Select); coding-DNA position 965, G replaced by T.
Protein change: p.Gly322Val; replaces glycine 322 with valine.
Molecular consequence: missense variant.
Genome position (GRCh38, 1-based): chr10:95,627,555, C>A on the plus strand (G>T on the coding strand, the complement: ALDH18A1 is on the minus strand). VCF-style: chr10-95627555-C-A. GRCh37 (hg19) VCF-style: chr10-97387312-C-A.
Other names: c.959G>T, p.Gly320Val (NM_001017423.2, NM_001323415.2); c.632G>T, p.Gly211Val (NM_001323412.2, NM_001323416.2); c.965G>T, p.Gly322Val (NM_001323413.2, NM_001323414.2); c.860G>T, p.Gly287Val (NM_001323417.2); c.626G>T, p.Gly209Val (NM_001323418.2); c.329G>T, p.Gly110Val (NM_001323419.2); short protein forms G322V, G110V, G209V, G211V, G320V, G287V.
Identifiers: ClinVar variation 2114800 (VCV002114800.4), dbSNP rs2526828427, ClinGen allele CA377703697.